The following is an entry in ClinVar:

NM_015631.6(TCTN3):c.1474T>A (p.Cys492Ser)

Gene: TCTN3 (tectonic family member 3; minus strand). Cytogenetic location: 10q24.1.
Variant type: single nucleotide variant.
Coding change: c.1474T>A on transcript NM_015631.6 (MANE Select); coding-DNA position 1474, T replaced by A.
Protein change: p.Cys492Ser; replaces cysteine 492 with serine.
Molecular consequence: missense variant.
Genome position (GRCh38, 1-based): chr10:95,680,588, A>T on the plus strand (T>A on the coding strand, the complement: TCTN3 is on the minus strand). VCF-style: chr10-95680588-A-T. GRCh37 (hg19) VCF-style: chr10-97440345-A-T.
Other names: c.1474T>A (NM_015631.5); c.1030T>A, p.Cys344Ser (NM_001143973.2); short protein forms C492S, C344S.
Identifiers: ClinVar variation 1419103 (VCV001419103.7), dbSNP rs149728983, ClinGen allele CA5620817.
Genomic context (GRCh38, chr10:95,680,588, plus strand): 5'-TGGACAGGAGACCTACATATGCCCACAATACCTGGATCTCCAGGGAAACTGGTATGAGAC[A>T]GCAGGAAGTACAGTTTATAGCCTGCAGAAGGGTAAAGAAGCATCTGCTTGAATTGCCTGA-3'
Protein context (NP_056446.4, residues 482-502): SISAINCTSC[Cys492Ser]LIPVSLEIQV

ClinVar aggregate classification (germline): Uncertain significance. Review status: criteria provided, multiple submitters, no conflicts (2 of 4 stars). 3 submissions from 3 submitters: Uncertain significance (3). Last evaluated 2025-09-22.

Conditions:
Joubert syndrome 18 (JBTS18). Identifiers: Orphanet 2754, MedGen C3553758, MONDO:0013896, OMIM 614815.
Orofacial-digital syndrome IV (OFD4). Also called: MOHR-MAJEWSKI SYNDROME; Orofaciodigital syndrome IV; OFD SYNDROME WITH TIBIAL DEFECTS; OFD SYNDROME, BARAITSER-BURN TYPE; OFDS IV; ORAL-FACIAL-DIGITAL SYNDROME, TYPE IV. Identifiers: Orphanet 2753, MedGen C0406727, MONDO:0009794, OMIM 258860.
Inborn genetic diseases. Identifiers: MedGen C0950123, MeSH D030342.

Allele frequency attached by ClinVar (database versions not stated): gnomAD exomes 0.00005; ExAC 0.00007; gnomAD 0.00013; TOPMed 0.00013; ESP Exome Variant Server 0.00015; 1000 Genomes Project 30x 0.00016; 1000 Genomes Project 0.00020.
gnomAD v4.1: 65 of 1,614,124 alleles (0.004%); highest among the groups gnomAD compares: African/African-American, 0.063%; no homozygotes.

Submissions (3):

Ambry Genetics
Classification: Uncertain significance for Inborn genetic diseases. Last evaluated: 2025-09-22. Review status: criteria provided, single submitter. Criteria: Ambry Variant Classification Scheme 2023. Collection method: clinical testing. Allele origin: germline.

Blueprint Genetics
Classification: Uncertain significance. Last evaluated: 2024-10-09. Review status: criteria provided, single submitter. Criteria: ACMG Guidelines, 2015. Collection method: clinical testing. Allele origin: germline.

Labcorp Genetics (formerly Invitae), Labcorp
Classification: Uncertain significance for Joubert syndrome 18; Orofacial-digital syndrome IV. Last evaluated: 2023-11-13. Review status: criteria provided, single submitter. Criteria: Invitae Variant Classification Sherloc (09022015). Collection method: clinical testing. Allele origin: germline.
Comment: This sequence change replaces cysteine, which is neutral and slightly polar, with serine, which is neutral and polar, at codon 492 of the TCTN3 protein (p.Cys492Ser). This variant is present in population databases (rs149728983, gnomAD 0.07%). This variant has not been reported in the literature in individuals affected with TCTN3-related conditions. ClinVar contains an entry for this variant (Variation ID: 1419103). Advanced modeling of protein sequence and biophysical properties (such as structural, functional, and spatial information, amino acid conservation, physicochemical variation, residue mobility, and thermodynamic stability) has been performed at Invitae for this missense variant, however the output from this modeling did not meet the statistical confidence thresholds required to predict the impact of this variant on TCTN3 protein function. In summary, the available evidence is currently insufficient to determine the role of this variant in disease. Therefore, it has been classified as a Variant of Uncertain Significance.